The following is an entry in ClinVar:

ClinVar aggregate classification (germline): Uncertain significance (1 of 4 stars; one submission).

Conditions:
Congenital adrenal hypoplasia, X-linked (AHC). Also called: X-linked AHC; X-Linked Adrenal Hypoplasia Congenita; ADRENAL HYPOPLASIA, CONGENITAL, WITH HYPOGONADOTROPIC HYPOGONADISM; Isolated X-Linked Adrenal Hypoplasia Congenita. Identifiers: Orphanet 95702, MedGen C0342482, MONDO:0010264, OMIM 300200. Disease mechanism: loss of function.
46,XY sex reversal 2. Also called: NR0B1-Related 46,XY CGD; NR0B1-related 46,XY complete gonadal dysgenesis; Dosage-sensitive sex reversal; 46,XY SEX REVERSAL, DAX1-RELATED; 46XY sex reversal 2, dosage-sensitive. Identifiers: MedGen C1848296, MONDO:0010226, OMIM 300018.

Submission:

Labcorp Genetics (formerly Invitae), Labcorp
Classification: Uncertain significance for Congenital adrenal hypoplasia, X-linked; 46,XY sex reversal, type 2. Last evaluated: 2019-12-03. Review status: criteria provided, single submitter. Criteria: Invitae Variant Classification Sherloc (09022015). Collection method: clinical testing. Allele origin: germline.
Comment: This variant results in a copy number gain of the genomic region encompassing the full coding sequence of the NR0B1 gene. The boundaries of this event are unknown as they extend beyond the assayed region for this gene and therefore may encompass additional genes. As the precise location of this event is unknown, it may be in tandem or it may be located elsewhere in the genome. Similar copy number gains of the NR0B1 gene have been reported in individual(s) affected with 46,XY gonadal dysgenesis (PMID: 21408189, 17504899. In summary, the available evidence is currently insufficient to determine the role of this variant in disease. Therefore, it has been classified as a Variant of Uncertain Significance.

Literature cited by the submitters: PubMed 17504899; PubMed 21408189.

NC_000023.11:g.(?_30304559)_(30309383_?)dup

Gene: NR0B1 (nuclear receptor subfamily 0 group B member 1; minus strand). Cytogenetic location: Xp21.2.
Variant type: Duplication.
Identifiers: ClinVar variation 831352 (VCV000831352.1).